The following is an entry in ClinVar:

NM_004360.5(CDH1):c.772A>T (p.Asn258Tyr)

Gene: CDH1 (cadherin 1; plus strand). Cytogenetic location: 16q22.1.
Variant type: single nucleotide variant.
Coding change: c.772A>T on transcript NM_004360.5 (MANE Select); coding-DNA position 772, A replaced by T.
Protein change: p.Asn258Tyr; replaces asparagine 258 with tyrosine.
Molecular consequence: missense variant. On other transcripts: 5 prime UTR variant (2).
Genome position (GRCh38, 1-based): chr16:68,810,281, A>T. VCF-style: chr16-68810281-A-T. GRCh37 (hg19) VCF-style: chr16-68844184-A-T.
Other names: c.772A>T (LRG_301t1); c.772A>T, p.Asn258Tyr (NM_001317184.2); c.-844A>T (NM_001317185.2); c.-1048A>T (NM_001317186.2); short protein forms N258Y.
Identifiers: ClinVar variation 463792 (VCV000463792.11), dbSNP rs1555515449, ClinGen allele CA396458667.

ClinVar aggregate classification (germline): Uncertain significance. Review status: criteria provided, multiple submitters, no conflicts (2 of 4 stars). 2 submissions from 2 submitters: Uncertain significance (2). Last evaluated 2023-07-05.

Conditions:
Hereditary cancer-predisposing syndrome. Also called: Hereditary neoplastic syndrome; Neoplastic Syndromes, Hereditary; Tumor predisposition; Hereditary Cancer Syndrome. Identifiers: Orphanet 140162, MedGen C0027672, MeSH D009386, MONDO:0015356.
Hereditary diffuse gastric adenocarcinoma (HDGC). Also called: DIFFUSE GASTRIC AND LOBULAR BREAST CANCER SYNDROME. Identifiers: Orphanet 26106, MedGen C1708349, MONDO:0007648, OMIM 137215.

Submissions (2):

Ambry Genetics
Classification: Uncertain significance for Hereditary cancer-predisposing syndrome. Last evaluated: 2023-07-05. Review status: criteria provided, single submitter. Criteria: Ambry Variant Classification Scheme 2023. Collection method: clinical testing. Allele origin: germline.
Comment: The p.N258Y variant (also known as c.772A>T), located in coding exon 6 of the CDH1 gene, results from an A to T substitution at nucleotide position 772. The asparagine at codon 258 is replaced by tyrosine, an amino acid with dissimilar properties. This alteration was observed with an allele frequency of 0.00014 in 7,051 unselected female breast cancer patients and was observed with an allele frequency of 0.00009 in 11,241 female controls of Japanese ancestry (Momozawa Y et al. Nat Commun, 2018 Oct;9:4083). This amino acid position is highly conserved in available vertebrate species. In addition, this alteration is predicted to be deleterious by in silico analysis. Since supporting evidence is limited at this time, the clinical significance of this alteration remains unclear.

Labcorp Genetics (formerly Invitae), Labcorp
Classification: Uncertain significance for Hereditary diffuse gastric adenocarcinoma. Last evaluated: 2023-06-15. Review status: criteria provided, single submitter. Criteria: Invitae Variant Classification Sherloc (09022015). Collection method: clinical testing. Allele origin: germline.
Comment: This sequence change replaces asparagine, which is neutral and polar, with tyrosine, which is neutral and polar, at codon 258 of the CDH1 protein (p.Asn258Tyr). In summary, the available evidence is currently insufficient to determine the role of this variant in disease. Therefore, it has been classified as a Variant of Uncertain Significance. An algorithm developed to predict the effect of missense changes on protein structure and function (PolyPhen-2) suggests that this variant is likely to be disruptive. ClinVar contains an entry for this variant (Variation ID: 463792). This missense change has been observed in individual(s) with breast cancer (PMID: 30287823). This variant is not present in population databases (gnomAD no frequency).

Literature cited by the submitters: PubMed 30287823 (cited by Ambry Genetics and Labcorp Genetics (formerly Invitae), Labcorp).